The following is an entry in ClinVar:

NM_015102.5(NPHP4):c.4198G>A (p.Gly1400Ser)

Gene: NPHP4 (nephrocystin 4; minus strand). Cytogenetic location: 1p36.31.
Variant type: single nucleotide variant.
Coding change: c.4198G>A on transcript NM_015102.5 (MANE Select); coding-DNA position 4198, G replaced by A.
Protein change: p.Gly1400Ser; replaces glycine 1400 with serine.
Molecular consequence: missense variant. On other transcripts: non-coding transcript variant (1).
Genome position (GRCh38, 1-based): chr1:5,863,348, C>T on the plus strand (G>A on the coding strand, the complement: NPHP4 is on the minus strand). VCF-style: chr1-5863348-C-T. GRCh37 (hg19) VCF-style: chr1-5923408-C-T.
Other names: c.2659G>A, p.Gly887Ser (NM_001291593.2); c.2662G>A, p.Gly888Ser (NM_001291594.2); short protein forms G1400S, G887S, G888S.
Identifiers: ClinVar variation 1019523 (VCV001019523.8), dbSNP rs1640829676, ClinGen allele CA338047616.
Genomic context (GRCh38, chr1:5,863,348, plus strand): 5'-AAAATGCCTCTTCGTTTTTGTCCTCATGGTCATTGATGTAGATCAGGATCTCCTCCTCAC[C>T]CACTCTCTGACTAGGCGCAAACTGCAAGCCGATGGTGTAGGTCTCTCCACCCCCGACCTG-3'
Protein context (NP_055917.1, residues 1390-1410): GLQFAPSQRV[Gly1400Ser]EEEILIYIND

ClinVar aggregate classification (germline): Uncertain significance. Review status: criteria provided, multiple submitters, no conflicts (2 of 4 stars). 2 submissions from 2 submitters: Uncertain significance (2). Last evaluated 2024-03-28.

Conditions:
Senior-Loken syndrome 4 (SLSN4). Identifiers: Orphanet 3156, MedGen C1846979, MONDO:0011756, OMIM 606996.
Nephronophthisis 4 (NPHP4). Also called: NEPHRONOPHTHISIS 4, JUVENILE. Identifiers: Orphanet 655, MedGen C1847013, MONDO:0011752, OMIM 606966.
Nephronophthisis. Also called: Juvenile Nephronophthisis. Identifiers: Orphanet 655, MedGen C0687120, MONDO:0019005, HP:0000090.

Submissions (2):

Fulgent Genetics
Classification: Uncertain significance for Nephronophthisis 4; Senior-Loken syndrome 4. Last evaluated: 2024-03-28. Review status: criteria provided, single submitter. Criteria: ACMG Guidelines, 2015. Collection method: clinical testing. Allele origin: germline.

Labcorp Genetics (formerly Invitae), Labcorp
Classification: Uncertain significance for Nephronophthisis. Last evaluated: 2022-02-01. Review status: criteria provided, single submitter. Criteria: Invitae Variant Classification Sherloc (09022015). Collection method: clinical testing. Allele origin: germline.
Comment: Algorithms developed to predict the effect of missense changes on protein structure and function are either unavailable or do not agree on the potential impact of this missense change (SIFT: "Tolerated"; PolyPhen-2: "Probably Damaging"; Align-GVGD: "Class C0"). Algorithms developed to predict the effect of sequence changes on RNA splicing suggest that this variant may create or strengthen a splice site. In summary, the available evidence is currently insufficient to determine the role of this variant in disease. Therefore, it has been classified as a Variant of Uncertain Significance. ClinVar contains an entry for this variant (Variation ID: 1019523). This sequence change replaces glycine, which is neutral and non-polar, with serine, which is neutral and polar, at codon 1400 of the NPHP4 protein (p.Gly1400Ser). This variant is not present in population databases (gnomAD no frequency). This variant has not been reported in the literature in individuals affected with NPHP4-related conditions.